The following is an entry in ClinVar:

NM_000719.7(CACNA1C):c.2452G>A (p.Ala818Thr)

Gene: CACNA1C (calcium voltage-gated channel subunit alpha1 C; plus strand). Cytogenetic location: 12p13.33.
Variant type: single nucleotide variant.
Coding change: c.2452G>A on transcript NM_000719.7 (MANE Select); coding-DNA position 2452, G replaced by A.
Protein change: p.Ala818Thr; replaces alanine 818 with threonine.
Molecular consequence: missense variant.
Genome position (GRCh38, 1-based): chr12:2,585,488, G>A. VCF-style: chr12-2585488-G-A. GRCh37 (hg19) VCF-style: chr12-2694654-G-A.
Other names: c.2452G>A, p.Ala818Thr (NM_001129827.2, NM_001129829.2, NM_001129830.3 and 18 more transcripts); c.2443G>A, p.Ala815Thr (NM_001129844.2); short protein forms A818T, A815T.
Identifiers: ClinVar variation 456954 (VCV000456954.10), dbSNP rs765111782, ClinGen allele CA231588111.
Genomic context (GRCh38, chr12:2,585,488, plus strand): 5'-GAATCCAAGGAGGAGAAGATTGAGCTGAAATCCATCACGGCTGACGGAGAGTCTCCACCC[G>A]CCACCAAGGTGAGGAGCTGTCTCCTTCCTGGAGCTGTGAGGCCGGTGCTGGGGAGGGAGG-3'
Protein context (NP_000710.5, residues 808-828): SITADGESPP[Ala818Thr]TKINMDDLQP

ClinVar aggregate classification (germline): Conflicting classifications of pathogenicity. Review status: criteria provided, conflicting classifications (1 of 4 stars). 2 submissions from 2 submitters: Uncertain significance (1); Likely benign (1). Last evaluated 2026-06-06.

Conditions:
Cardiovascular phenotype. Identifiers: MedGen CN230736.
Long QT syndrome (LQTS). Identifiers: MedGen C0023976, MeSH D008133, MONDO:0002442. Disease mechanism: loss of function. Inheritance: Various modes of inheritance.

Allele frequency attached by ClinVar (database versions not stated): TOPMed below 0.00001; 1000 Genomes Project 30x 0.00016; gnomAD 0.00001; gnomAD exomes 0.00002.
gnomAD v4.1: 30 of 1,559,784 alleles (0.0019%); highest among the groups gnomAD compares: South Asian, 0.0024%; no homozygotes.

Submissions (2):

Ambry Genetics
Classification: Likely benign for Cardiovascular phenotype. Last evaluated: 2026-06-06. Review status: criteria provided, single submitter. Criteria: Ambry Variant Classification Scheme 2023. Collection method: clinical testing. Allele origin: germline.

Labcorp Genetics (formerly Invitae), Labcorp
Classification: Uncertain significance for Long QT syndrome. Last evaluated: 2025-12-13. Review status: criteria provided, single submitter. Criteria: Invitae Variant Classification Sherloc (09022015). Collection method: clinical testing. Allele origin: germline.
Comment: This sequence change replaces alanine, which is neutral and non-polar, with threonine, which is neutral and polar, at codon 818 of the CACNA1C protein (p.Ala818Thr). This variant is not present in population databases (gnomAD no frequency). This variant has not been reported in the literature in individuals affected with CACNA1C-related conditions. ClinVar contains an entry for this variant (Variation ID: 456954). Invitae Evidence Modeling of protein sequence and biophysical properties (such as structural, functional, and spatial information, amino acid conservation, physicochemical variation, residue mobility, and thermodynamic stability) indicates that this missense variant is not expected to disrupt CACNA1C protein function with a negative predictive value of 95%. In summary, the available evidence is currently insufficient to determine the role of this variant in disease. Therefore, it has been classified as a Variant of Uncertain Significance.